The following is an entry in ClinVar:

ClinVar aggregate classification (germline): Uncertain significance. Review status: criteria provided, multiple submitters, no conflicts (2 of 4 stars). 2 submissions from 2 submitters: Uncertain significance (2). Last evaluated 2025-05-13.

Conditions:
Familial thoracic aortic aneurysm and aortic dissection (TAAD). Also called: Thoracic aortic aneurysms and dissections. Identifiers: Orphanet 91387, MedGen C4707243, MONDO:0019625.

Submissions (2):

Labcorp Genetics (formerly Invitae), Labcorp
Classification: Uncertain significance for Familial thoracic aortic aneurysm and aortic dissection. Last evaluated: 2025-05-13. Review status: criteria provided, single submitter. Criteria: Invitae Variant Classification Sherloc (09022015). Collection method: clinical testing. Allele origin: germline.
Comment: This sequence change replaces asparagine, which is neutral and polar, with aspartic acid, which is acidic and polar, at codon 276 of the SMAD3 protein (p.Asn276Asp). This variant is not present in population databases (gnomAD no frequency). This variant has not been reported in the literature in individuals affected with SMAD3-related conditions. ClinVar contains an entry for this variant (Variation ID: 3166234). Invitae Evidence Modeling of protein sequence and biophysical properties (such as structural, functional, and spatial information, amino acid conservation, physicochemical variation, residue mobility, and thermodynamic stability) indicates that this missense variant is expected to disrupt SMAD3 protein function with a positive predictive value of 80%. In summary, the available evidence is currently insufficient to determine the role of this variant in disease. Therefore, it has been classified as a Variant of Uncertain Significance.

Ambry Genetics
Classification: Uncertain significance for Familial thoracic aortic aneurysm and aortic dissection. Last evaluated: 2024-03-04. Review status: criteria provided, single submitter. Criteria: Ambry Variant Classification Scheme 2023. Collection method: clinical testing. Allele origin: germline.

NM_005902.4(SMAD3):c.826A>G (p.Asn276Asp)

Gene: SMAD3 (SMAD family member 3; plus strand). Cytogenetic location: 15q22.33.
Variant type: single nucleotide variant.
Coding change: c.826A>G on transcript NM_005902.4 (MANE Select); coding-DNA position 826, A replaced by G.
Protein change: p.Asn276Asp; replaces asparagine 276 with aspartic acid.
Molecular consequence: missense variant.
Genome position (GRCh38, 1-based): chr15:67,181,408, A>G. VCF-style: chr15-67181408-A-G. GRCh37 (hg19) VCF-style: chr15-67473746-A-G.
Other names: c.511A>G, p.Asn171Asp (NM_001145102.2, NM_001407016.1); c.694A>G, p.Asn232Asp (NM_001145103.2, NM_001407012.1); c.241A>G, p.Asn81Asp (NM_001145104.2, NM_001407017.1); c.826A>G, p.Asn276Asp (NM_001407011.1, NM_001407013.1); c.679A>G, p.Asn227Asp (NM_001407014.1); c.379A>G, p.Asn127Asp (NM_001407015.1); short protein forms N171D, N227D, N81D, N127D, N232D, N276D.
Identifiers: ClinVar variation 3166234 (VCV003166234.2), dbSNP rs2505284592, ClinGen allele CA392956339.
Genomic context (GRCh38, chr15:67,181,408, plus strand): 5'-ACTGTGGATGGCTTCACCGACCCCTCCAATTCGGAGCGCTTCTGCCTAGGGCTGCTCTCC[A>G]ATGTCAACAGGAATGCAGCAGTGGAGCTGACACGGAGACACATCGGTATGGGGTGGCTCC-3'
Protein context (NP_005893.1, residues 266-286): SERFCLGLLS[Asn276Asp]VNRNAAVELT